The following is an entry in ClinVar:

ClinVar aggregate classification (germline): Conflicting classifications of pathogenicity. Review status: criteria provided, conflicting classifications (1 of 4 stars). 3 submissions from 3 submitters: Likely pathogenic (1); Uncertain significance (2). Last evaluated 2025-10-06.

Conditions:
Autosomal recessive limb-girdle muscular dystrophy type 2U. Also called: MUSCULAR DYSTROPHY, LIMB-GIRDLE, TYPE 2U; Muscular dystrophy-dystroglycanopathy (limb-girdle), type c, 7. Identifiers: Orphanet 352479, MedGen C5190987, MONDO:0014474, OMIM 616052.
Muscular dystrophy-dystroglycanopathy (congenital with brain and eye anomalies), type A, 7. Also called: WALKER-WARBURG SYNDROME OR MUSCLE-EYE-BRAIN DISEASE, ISPD-RELATED; Congenital muscular dystrophy-dystroglycanopathy with brain and eye anomalies, type A7. Identifiers: Orphanet 899, MedGen C3553330, MONDO:0013835, OMIM 614643.

Allele frequency attached by ClinVar (database versions not stated): gnomAD exomes below 0.00001; gnomAD 0.00001; TOPMed 0.00001.
gnomAD v4.1: 3 of 1,612,320 alleles (0.00019%); highest among the groups gnomAD compares: African/African-American, 0.004%; no homozygotes.

Submissions (3):

Labcorp Genetics (formerly Invitae), Labcorp
Classification: Likely pathogenic for Muscular dystrophy-dystroglycanopathy (congenital with brain and eye anomalies), type A, 7; Autosomal recessive limb-girdle muscular dystrophy type 2U. Last evaluated: 2025-10-06. Review status: criteria provided, single submitter. Criteria: Invitae Variant Classification Sherloc (09022015). Collection method: clinical testing. Allele origin: germline.
Comment: This sequence change replaces glutamic acid, which is acidic and polar, with aspartic acid, which is acidic and polar, at codon 212 of the ISPD protein (p.Glu212Asp). This variant is not present in population databases (gnomAD no frequency). This missense change has been observed in individual(s) with clinical features of ISPD-related conditions (internal data). In at least one individual the data is consistent with being in trans (on the opposite chromosome) from a pathogenic variant. It has also been observed to segregate with disease in related individuals. ClinVar contains an entry for this variant (Variation ID: 497567). Invitae Evidence Modeling of protein sequence and biophysical properties (such as structural, functional, and spatial information, amino acid conservation, physicochemical variation, residue mobility, and thermodynamic stability) indicates that this missense variant is expected to disrupt ISPD protein function with a positive predictive value of 80%. In summary, the currently available evidence indicates that the variant is pathogenic, but additional data are needed to prove that conclusively. Therefore, this variant has been classified as Likely Pathogenic.

Laboratorio de Genetica e Diagnostico Molecular, Hospital Israelita Albert Einstein
Classification: Uncertain significance for Autosomal recessive limb-girdle muscular dystrophy type 2U. Last evaluated: 2022-09-16. Review status: criteria provided, single submitter. Criteria: ACMG Guidelines, 2015. Collection method: clinical testing. Allele origin: germline. Affected: yes. Observed: 1 variant allele.
Comment: ACMG classification criteria: PM2 moderated

Eurofins Ntd Llc (ga)
Classification: Uncertain significance. Last evaluated: 2016-10-07. Review status: criteria provided, single submitter. Criteria: EGL Classification Definitions 2015. Collection method: clinical testing. Allele origin: germline. Observed: 1 variant allele, 1 heterozygote.

NM_001101426.4(CRPPA):c.636A>C (p.Glu212Asp)

Gene: CRPPA (CDP-L-ribitol pyrophosphorylase A; minus strand). Cytogenetic location: 7p21.2.
Variant type: single nucleotide variant.
Coding change: c.636A>C on transcript NM_001101426.4 (MANE Select); coding-DNA position 636, A replaced by C.
Protein change: p.Glu212Asp; replaces glutamic acid 212 with aspartic acid.
Molecular consequence: missense variant. On other transcripts: non-coding transcript variant (1), intron variant (1).
Genome position (GRCh38, 1-based): chr7:16,376,140, T>G on the plus strand (A>C on the coding strand, the complement: CRPPA is on the minus strand). VCF-style: chr7-16376140-T-G. GRCh37 (hg19) VCF-style: chr7-16415765-T-G.
Other names: c.636A>C, p.Glu212Asp (NM_001368197.1); c.534+29921A>C (NM_001101417.4); short protein forms E212D.
Identifiers: ClinVar variation 497567 (VCV000497567.10), dbSNP rs1008210645, ClinGen allele CA154760500.